The following is an entry in ClinVar:

NM_152618.3(BBS12):c.1095_1096del (p.Asn366fs)

Gene: BBS12 (Bardet-Biedl syndrome 12; plus strand). Cytogenetic location: 4q27.
Variant type: Microsatellite.
Coding change: c.1095_1096del on transcript NM_152618.3 (MANE Select); coding-DNA positions 1095 to 1096, 2 bases deleted (GA; older notation c.1095_1096delGA).
Protein change: p.Asn366fs; shifts the reading frame from asparagine 366.
Molecular consequence: frameshift variant.
Genome position (GRCh38, 1-based): chr4:122,742,987-122,742,988, GA deleted; deleting any 2 consecutive bases within chr4:122,742,984-122,742,988 gives the same sequence; the c. name uses the placement nearest the transcript's 3' end. VCF-style (leftmost placement, unchanged base first): chr4-122742983-CAG-C. GRCh37 (hg19) VCF-style: chr4-123664138-CAG-C.
Other names: c.1095_1096del, p.Asn366fs (NM_001178007.2); short protein forms N366fs.
Identifiers: ClinVar variation 1179065 (VCV001179065.3), dbSNP rs2150736865, ClinGen allele CA2580616766.

ClinVar aggregate classification (germline): Likely pathogenic. Review status: criteria provided, multiple submitters, no conflicts (2 of 4 stars). 2 submissions from 2 submitters: Likely pathogenic (2). Last evaluated 2022-08-23.

Conditions:
Bardet-Biedl syndrome 12 (BBS12). Identifiers: Orphanet 110, MedGen C1859570, MONDO:0014440, OMIM 615989.

Submissions (2):

Baylor Genetics
Classification: Likely pathogenic for Bardet-Biedl syndrome 12. Last evaluated: 2022-08-23. Review status: criteria provided, single submitter. Criteria: ACMG Guidelines, 2015. Collection method: clinical testing. Allele origin: unknown.

Fulgent Genetics
Classification: Likely pathogenic for Bardet-Biedl syndrome 12. Last evaluated: 2021-06-30. Review status: criteria provided, single submitter. Criteria: ACMG Guidelines, 2015. Collection method: clinical testing. Allele origin: unknown.
Comment: This variant has been detected in individual(s) who were sent for testing of Renasight - kidney gene panel.